The following is an entry in ClinVar:

ClinVar aggregate classification (germline): Conflicting classifications of pathogenicity. Review status: criteria provided, conflicting classifications (1 of 4 stars). 9 submissions from 9 submitters: Pathogenic (3); Likely pathogenic (4); Uncertain significance (1). 1 of the submissions does not count toward it. Last evaluated 2026-05-01.

Conditions:
Merosin deficient congenital muscular dystrophy (MDC1A). Also called: Congenital merosin-deficient muscular dystrophy 1A; Congenital Muscular Dystrophy Type 1A (MDC1A). Identifiers: Orphanet 258, MedGen C1263858, MONDO:0011925, OMIM 607855.
Muscular dystrophy, limb-girdle, autosomal recessive 23. Identifiers: Orphanet 565837, MedGen C4748327, MONDO:0029136, OMIM 618138.
LAMA2-related muscular dystrophy (LAMA2-RD). Also called: Laminin alpha 2-related dystrophy. Identifiers: MedGen C5679788, MONDO:0100228.

Allele frequency attached by ClinVar (database versions not stated): TOPMed 0.00002; gnomAD 0.00003.
gnomAD v4.1: 18 of 1,602,740 alleles (0.0011%); highest among the groups gnomAD compares: Admixed American, 0.0017%; no homozygotes.

Submissions (9):

Institute of Medical Genetics and Genomics, Sir Ganga Ram Hospital
Classification: Likely pathogenic for Merosin deficient congenital muscular dystrophy. Last evaluated: 2026-05-01. Review status: criteria provided, single submitter. Criteria: ACMG Guidelines, 2015. Collection method: clinical testing. Allele origin: germline. Inheritance: Autosomal recessive inheritance. Affected: yes. Observed: 1 variant allele, 1 homozygote.
Comment: A homozygous 1 base single nucleotide variant (SNV) has been identified in LAMA2 gene. This change is present in intron 34 of this gene. This intron variants is present in the gnomAD (aggregated) database with an allele frequency of 0.0032% [01 Heterozygotes, 00 Homozygotes] [PM2]. This variant is submitted in clinvar database [Variation ID: VCV000444699.54] with a conflicting interpretation [Pathogenic (3), Likely Pathogenic (3), Uncertain (01)] by multiple submitters [PP5]. In-silico prediction tools SpliceAI (Score=0.92) predict a splicing impact of the intronic variant [PP3] This intronic variant has been observed in cases with relevant disease (PMID: 33791999, 38747280, 39213089. 32936536). Based on the available evidences, and phenotypic overlap with the clinical symptoms of the proband, the variant has been clasified as “ Likely Pathogenic”.

Labcorp Genetics (formerly Invitae), Labcorp
Classification: Pathogenic for LAMA2-related muscular dystrophy. Last evaluated: 2025-09-02. Review status: criteria provided, single submitter. Criteria: Invitae Variant Classification Sherloc (09022015). Collection method: clinical testing. Allele origin: germline.
Comment: This sequence change falls in intron 34 of the LAMA2 gene. It does not directly change the encoded amino acid sequence of the LAMA2 protein. RNA analysis indicates that this variant induces altered splicing and may result in an absent or altered protein product. This variant is present in population databases (no rsID available, gnomAD 0.007%). This variant has been observed in individual(s) with LAMA2-related muscular dystrophy (PMID: 32936536, 37182895, 39213089; internal data). In at least one individual the data is consistent with being in trans (on the opposite chromosome) from a pathogenic variant. ClinVar contains an entry for this variant (Variation ID: 444699). Studies have shown that this variant results in activation of a cryptic splice site, and produces a non-functional protein and/or introduces a premature termination codon (PMID: 39213089). For these reasons, this variant has been classified as Pathogenic.

Myriad Genetics, Inc.
Classification: Likely pathogenic for LAMA2-related muscular dystrophy. Last evaluated: 2025-02-06. Review status: criteria provided, single submitter. Criteria: Myriad Autosomal Dominant, Autosomal Recessive and X-Linked Classification Criteria (2023). Collection method: clinical testing. Allele origin: unknown.
Comment: NM_000426.3(LAMA2):c.4960-17C>A is an intronic variant classified as likely pathogenic in the context of muscular dystrophy, LAMA2-related. c.4960-17C>A has been observed in cases with relevant disease (PMID: 33791999, 38747280, 39213089. 32936536). Relevant functional assessments of this variant are not available in the literature. c.4960-17C>A has not been observed in referenced population frequency databases. In summary, NM_000426.3(LAMA2):c.4960-17C>A is an intronic variant that has been observed more frequently in cases with the relevant disease than in healthy populations. Please note: this variant was assessed in the context of healthy population screening.

Mendelics
Classification: Pathogenic for Merosin deficient congenital muscular dystrophy. Last evaluated: 2024-10-07. Review status: criteria provided, single submitter. Criteria: ACMG Guidelines, 2015. Collection method: clinical testing. Allele origin: unknown.
Comment: Likely causes splice disruption.

Department of Human Genetics, University Hospital Bern, Inselspital
Classification: Pathogenic for Merosin deficient congenital muscular dystrophy. Last evaluated: 2024-07-01. Review status: criteria provided, single submitter. Criteria: ACMG Guidelines, 2015. Collection method: research, clinical testing. Allele origin: biparental. Inheritance: Autosomal recessive inheritance. Affected: yes. Observed: 2 homozygotes.
Comment: Pathogenic variants in the LAMA2 gene are associated with muscular dystrophy and follow an autosomal recessive inheritance pattern (OMIM 156225). Functional studies have demonstrated that the variant causes the retention of 15 base pairs of intron 34 in the mutant transcript, introducing a premature "TAG" stop codon and likely resulting in premature termination of translation (PMID: 39213089). This variant is listed in the gnomAD population database with an average frequency of approximately 0.001%. It has been observed in individuals diagnosed with congenital muscular dystrophy (PMID: 32936536, 39213089).

Fulgent Genetics
Classification: Likely pathogenic for Merosin deficient congenital muscular dystrophy; Muscular dystrophy, limb-girdle, autosomal recessive 23. Last evaluated: 2024-05-17. Review status: criteria provided, single submitter. Criteria: ACMG Guidelines, 2015. Collection method: clinical testing. Allele origin: germline.

Baylor Genetics
Classification: Likely pathogenic for Merosin deficient congenital muscular dystrophy. Last evaluated: 2024-02-18. Review status: criteria provided, single submitter. Criteria: ACMG Guidelines, 2015. Collection method: clinical testing. Allele origin: unknown.

CeGaT Center for Human Genetics Tuebingen
Classification: Uncertain significance. Last evaluated: 2017-05-01. Review status: criteria provided, single submitter. Criteria: CeGaT Center For Human Genetics Tuebingen Variant Classification Criteria Version 2. Collection method: clinical testing. Allele origin: germline. Affected: yes. Observed: 1 variant allele.

GeneDx
Classification: Uncertain significance. Last evaluated: 2017-09-13. Review status: flagged submission. Criteria: GeneDx Variant Classification (06012015). Collection method: clinical testing. Allele origin: germline. Affected: yes. Not counted in ClinVar's aggregate classification.
Comment: The c.4960-17 C>A variant has not been published as a pathogenic variant, nor has it been reported as a benign variant to our knowledge. The c.4960-17 C>A variant is not observed in large population cohorts (Lek et al., 2016). Multiple in-silico splice prediction models predict that c.4960-17 C>A creates a cryptic splice acceptor site which may supplant the natural acceptor site and lead to abnormal gene splicing. However, in the absence of RNA/functional studies the actual effect of c.4960-17 C>A on splicing in this individual is unknown.
ClinVar note: Reason: Older and outlier claim with insufficient supporting evidence

Literature cited by the submitters: PubMed 33791999 (cited by Institute of Medical Genetics and Genomics, Sir Ganga Ram Hospital); PubMed 38747280 (cited by Institute of Medical Genetics and Genomics, Sir Ganga Ram Hospital); PubMed 39213089 (cited by 3 submitters); PubMed 32936536 (cited by Labcorp Genetics (formerly Invitae), Labcorp and Department of Human Genetics, University Hospital Bern, Inselspital); PubMed 37182895 (cited by Labcorp Genetics (formerly Invitae), Labcorp).

NM_000426.4(LAMA2):c.4960-17C>A

Gene: LAMA2 (laminin subunit alpha 2; plus strand). Cytogenetic location: 6q22.33.
Variant type: single nucleotide variant.
Coding change: c.4960-17C>A on transcript NM_000426.4 (MANE Select); 17 bases into the intron before coding-DNA position 4960, C replaced by A.
Molecular consequence: intron variant.
Genome position (GRCh38, 1-based): chr6:129,383,105, C>A. VCF-style: chr6-129383105-C-A. GRCh37 (hg19) VCF-style: chr6-129704250-C-A.
Other names: c.4960-17C>A (NM_001079823.2).
Identifiers: ClinVar variation 444699 (VCV000444699.56), dbSNP rs758048596, ClinGen allele CA451934336.